The following is an entry in ClinVar:

NM_017780.4(CHD7):c.1604A>G (p.Gln535Arg)

Gene: CHD7 (chromodomain helicase DNA binding protein 7; plus strand). Cytogenetic location: 8q12.2.
Variant type: single nucleotide variant.
Coding change: c.1604A>G on transcript NM_017780.4 (MANE Select); coding-DNA position 1604, A replaced by G.
Protein change: p.Gln535Arg; replaces glutamine 535 with arginine.
Molecular consequence: missense variant.
Genome position (GRCh38, 1-based): chr8:60,743,036, A>G. VCF-style: chr8-60743036-A-G. GRCh37 (hg19) VCF-style: chr8-61655595-A-G.
Other names: c.1604A>G, p.Gln535Arg (NM_001316690.1); short protein forms Q535R.
Identifiers: ClinVar variation 3637090 (VCV003637090.2).

ClinVar aggregate classification (germline): Uncertain significance (1 of 4 stars; one submission).

Conditions:
CHARGE syndrome (CHARGE). Also called: Hittner Hirsch Kreh syndrome; CHARGE ASSOCIATION--COLOBOMA, HEART ANOMALY, CHOANAL ATRESIA, RETARDATION, GENITAL AND EAR ANOMALIES; Coloboma, heart anomaly, choanal atresia, retardation, genital and ear anomalies; CHARGE association; Hall-Hittner syndrome. Identifiers: Orphanet 138, MedGen C0265354, MONDO:0008965.

Submission:

Labcorp Genetics (formerly Invitae), Labcorp
Classification: Uncertain significance for CHARGE syndrome. Last evaluated: 2024-05-08. Review status: criteria provided, single submitter. Criteria: Invitae Variant Classification Sherloc (09022015). Collection method: clinical testing. Allele origin: germline.
Comment: This sequence change replaces glutamine, which is neutral and polar, with arginine, which is basic and polar, at codon 535 of the CHD7 protein (p.Gln535Arg). This variant is not present in population databases (gnomAD no frequency). This variant has not been reported in the literature in individuals affected with CHD7-related conditions. Advanced modeling of protein sequence and biophysical properties (such as structural, functional, and spatial information, amino acid conservation, physicochemical variation, residue mobility, and thermodynamic stability) performed at Invitae indicates that this missense variant is not expected to disrupt CHD7 protein function with a negative predictive value of 95%. In summary, the available evidence is currently insufficient to determine the role of this variant in disease. Therefore, it has been classified as a Variant of Uncertain Significance.